The following is an entry in ClinVar:

ClinVar aggregate classification (germline): Pathogenic (1 of 4 stars; one submission).

Conditions:
Hereditary cancer-predisposing syndrome. Also called: Hereditary Cancer Syndrome; Neoplastic Syndromes, Hereditary; Tumor predisposition; Hereditary neoplastic syndrome. Identifiers: Orphanet 140162, MedGen C0027672, MeSH D009386, MONDO:0015356.

Submission:

Color Diagnostics, LLC DBA Color Health
Classification: Pathogenic for Hereditary cancer-predisposing syndrome. Last evaluated: 2021-04-27. Review status: criteria provided, single submitter. Criteria: ACMG Guidelines, 2015. Collection method: clinical testing. Allele origin: germline.
Comment: This variant changes 1 nucleotide in exon 10 of the BRCA1 gene, creating a premature translation stop signal. This variant is expected to result in an absent or non-functional protein product. To our knowledge, functional studies have not been reported for this variant. This variant has been detected in at least two individuals affected with breast cancer (PMID: 33274848; Color internal data) and a suspected hereditary breast and ovarian cancer family (PMID: 10326698). This variant has not been identified in the general population by the Genome Aggregation Database (gnomAD). Loss of BRCA1 function is a known mechanism of disease. Based on the available evidence, this variant is classified as Pathogenic.

NM_007294.4(BRCA1):c.3253A>T (p.Arg1085Ter)

Genes: BRCA1 (BRCA1 DNA repair associated; minus strand), LOC126862571 (BRD4-independent group 4 enhancer GRCh37_chr17:41243136-41244335; plus strand). Cytogenetic location: 17q21.31.
Variant type: single nucleotide variant.
Coding change: c.3253A>T on transcript NM_007294.4 (MANE Select); coding-DNA position 3253, A replaced by T.
Protein change: p.Arg1085Ter; replaces arginine 1085 with a stop codon.
Molecular consequence: nonsense. On other transcripts: intron variant (137).
Genome position (GRCh38, 1-based): chr17:43,092,278, T>A on the plus strand (A>T on the coding strand, the complement: BRCA1 is on the minus strand). VCF-style: chr17-43092278-T-A. GRCh37 (hg19) VCF-style: chr17-41244295-T-A.
Other names: c.3040A>T, p.Arg1014Ter (NM_001407571.1, NM_001407853.1, NM_001407894.1 and 9 more transcripts); c.3253A>T, p.Arg1085Ter (NM_001407581.1, NM_001407582.1, NM_001407583.1 and 30 more transcripts); c.3250A>T, p.Arg1084Ter (NM_001407587.1, NM_001407590.1, NM_001407591.1 and 22 more transcripts); c.3244A>T, p.Arg1082Ter (NM_001407646.1, NM_001407647.1); c.3130A>T, p.Arg1044Ter (NM_001407648.1, NM_001407664.1, NM_001407665.1 and 19 more transcripts); c.3127A>T, p.Arg1043Ter (NM_001407649.1, NM_001407670.1, NM_001407671.1 and 11 more transcripts); c.3175A>T, p.Arg1059Ter (NM_001407653.1, NM_001407654.1, NM_001407655.1 and 4 more transcripts); c.3172A>T, p.Arg1058Ter (NM_001407659.1, NM_001407660.1, NM_001407661.1 and 1 more transcripts); and 41 more; short protein forms R1085*, R1038*, R1014*, R1043*, R1059*, R957*, R1015*, R1037*.
Identifiers: ClinVar variation 491060 (VCV000491060.4), dbSNP rs1432504119, ClinGen allele CA10595478.